The following is an entry in ClinVar:

NM_001206927.2(DNAH8):c.7081G>T (p.Ala2361Ser)

Gene: DNAH8 (dynein axonemal heavy chain 8; plus strand). Cytogenetic location: 6p21.2.
Variant type: single nucleotide variant.
Coding change: c.7081G>T on transcript NM_001206927.2 (MANE Select); coding-DNA position 7081, G replaced by T.
Protein change: p.Ala2361Ser; replaces alanine 2361 with serine.
Molecular consequence: missense variant.
Genome position (GRCh38, 1-based): chr6:38,872,626, G>T. VCF-style: chr6-38872626-G-T. GRCh37 (hg19) VCF-style: chr6-38840402-G-T.
Other names: c.6430G>T, p.Ala2144Ser (NM_001371.4); short protein forms A2361S, A2144S.
Identifiers: ClinVar variation 525445 (VCV000525445.10), dbSNP rs375336311, ClinGen allele CA3789827.

ClinVar aggregate classification (germline): Uncertain significance. Review status: criteria provided, multiple submitters, no conflicts (2 of 4 stars). 2 submissions from 2 submitters: Uncertain significance (2). Last evaluated 2025-11-12.

Conditions:
Primary ciliary dyskinesia. Also called: Ciliary dyskinesia. Identifiers: Orphanet 244, MedGen C0008780, MONDO:0016575, HP:0012265.

Allele frequency attached by ClinVar (database versions not stated): gnomAD exomes 0.00001 and 0.00002; ExAC 0.00002; TOPMed 0.00006; gnomAD 0.00008.
gnomAD v4.1: 30 of 1,614,068 alleles (0.0019%); highest among the groups gnomAD compares: African/African-American, 0.031%; no homozygotes.

Submissions (2):

Labcorp Genetics (formerly Invitae), Labcorp
Classification: Uncertain significance for Primary ciliary dyskinesia. Last evaluated: 2025-11-12. Review status: criteria provided, single submitter. Criteria: Invitae Variant Classification Sherloc (09022015). Collection method: clinical testing. Allele origin: germline.
Comment: This sequence change replaces alanine, which is neutral and non-polar, with serine, which is neutral and polar, at codon 2361 of the DNAH8 protein (p.Ala2361Ser). This variant is present in population databases (rs375336311, gnomAD 0.02%). This missense change has been observed in individual(s) with clinical features of primary ciliary dyskinesia (internal data). ClinVar contains an entry for this variant (Variation ID: 525445). Invitae Evidence Modeling of protein sequence and biophysical properties (such as structural, functional, and spatial information, amino acid conservation, physicochemical variation, residue mobility, and thermodynamic stability) indicates that this missense variant is not expected to disrupt DNAH8 protein function with a negative predictive value of 80%. In summary, the available evidence is currently insufficient to determine the role of this variant in disease. Therefore, it has been classified as a Variant of Uncertain Significance.

Ambry Genetics
Classification: Uncertain significance. Last evaluated: 2024-12-29. Review status: criteria provided, single submitter. Criteria: Ambry Variant Classification Scheme 2023. Collection method: clinical testing. Allele origin: germline.